The following is an entry in ClinVar:

NM_000257.4(MYH7):c.5197G>A (p.Asp1733Asn)

Genes: MHRT (myosin heavy chain associated RNA transcript; plus strand), MYH7 (myosin heavy chain 7; minus strand), LOC126861897 (BRD4-independent group 4 enhancer GRCh37_chr14:23884455-23885654; plus strand). Cytogenetic location: 14q11.2.
Variant type: single nucleotide variant.
Coding change: c.5197G>A on transcript NM_000257.4 (MANE Select); coding-DNA position 5197, G replaced by A.
Protein change: p.Asp1733Asn; replaces aspartic acid 1733 with asparagine.
Molecular consequence: missense variant. On other transcripts: non-coding transcript variant (1).
Genome position (GRCh38, 1-based): chr14:23,415,467, C>T on the plus strand (G>A on the coding strand, the complement: MYH7 is on the minus strand). VCF-style: chr14-23415467-C-T. GRCh37 (hg19) VCF-style: chr14-23884676-C-T.
Other names: c.5197G>A, p.Asp1733Asn (NM_001407004.1); short protein forms D1733N.
Identifiers: ClinVar variation 3635996 (VCV003635996.2).
Genomic context (GRCh38, chr14:23,415,467, plus strand): 5'-CCTCAGCATTCCTGCACTCCTGCACTGCCTCCTCCACTTCAGTCTGGAGCTGGGACAGGT[C>T]AGCATCCATCTTCTTCTTCTGGTTGATGAGGCTGGTGTTCTGGGTTGGGGGAGGGTTGGG-3'
Protein context (NP_000248.2, residues 1723-1743): LINQKKKMDA[Asp1733Asn]LSQLQTEVEE

ClinVar aggregate classification (germline): Uncertain significance (1 of 4 stars; one submission).

Conditions:
Hypertrophic cardiomyopathy. Also called: HYPERTROPHIC MYOCARDIOPATHY. Identifiers: Orphanet 217569, MedGen C0007194, MeSH D002312, MONDO:0005045, HP:0001639.

Submission:

Labcorp Genetics (formerly Invitae), Labcorp
Classification: Uncertain significance for Hypertrophic cardiomyopathy. Last evaluated: 2024-07-11. Review status: criteria provided, single submitter. Criteria: Invitae Variant Classification Sherloc (09022015). Collection method: clinical testing. Allele origin: germline.
Comment: This sequence change replaces aspartic acid, which is acidic and polar, with asparagine, which is neutral and polar, at codon 1733 of the MYH7 protein (p.Asp1733Asn). This variant is not present in population databases (gnomAD no frequency). This variant has not been reported in the literature in individuals affected with MYH7-related conditions. Advanced modeling of protein sequence and biophysical properties (such as structural, functional, and spatial information, amino acid conservation, physicochemical variation, residue mobility, and thermodynamic stability) performed at Invitae indicates that this missense variant is expected to disrupt MYH7 protein function with a positive predictive value of 95%. In summary, the available evidence is currently insufficient to determine the role of this variant in disease. Therefore, it has been classified as a Variant of Uncertain Significance.